The following is an entry in ClinVar:

NM_002335.4(LRP5):c.2318+3_2318+6del

Gene: LRP5 (LDL receptor related protein 5; plus strand). Cytogenetic location: 11q13.2.
Variant type: Deletion.
Coding change: c.2318+3_2318+6del on transcript NM_002335.4 (MANE Select); bases 3 to 6 of the intron after coding-DNA position 2318, 4 bases deleted (AAGT; older notation c.2318+3_2318+6delAAGT).
Molecular consequence: splice donor variant.
Genome position (GRCh38, 1-based): chr11:68,410,143-68,410,146, AAGT deleted; deleting any 4 consecutive bases within chr11:68,410,141-68,410,146 gives the same sequence; the c. name uses the placement nearest the transcript's 3' end. VCF-style (leftmost placement, unchanged base first): chr11-68410140-GGTAA-G. GRCh37 (hg19) VCF-style: chr11-68177608-GGTAA-G.
Other names: c.575+3_575+6del (NM_001291902.2).
Identifiers: ClinVar variation 1005795 (VCV001005795.9), dbSNP rs1292196959, ClinGen allele CA679608576.

ClinVar aggregate classification (germline): Uncertain significance. Review status: criteria provided, multiple submitters, no conflicts (2 of 4 stars). 3 submissions from 3 submitters: Uncertain significance (3). Last evaluated 2025-10-23.

Conditions:
Exudative vitreoretinopathy 1 (EVR1). Also called: CRISWICK-SCHEPENS SYNDROME; FEVR, AUTOSOMAL DOMINANT; Familial exudative vitreoretinopathy, autosomal dominant. Identifiers: Orphanet 891, Orphanet 90050, MedGen C1851402, MONDO:0007589, OMIM 133780.
Osteoporosis. Identifiers: MedGen C0029456, MONDO:0005298, OMIM 166710, HP:0000939.
Osteoporosis with pseudoglioma (OPPG). Also called: osteoporosis-pseudoglioma syndrome. Identifiers: Orphanet 2788, MedGen C0432252, MONDO:0009820, OMIM 259770.
Exudative vitreoretinopathy 4 (EVR4). Identifiers: Orphanet 891, MedGen C1866176, MONDO:0011151, OMIM 601813.
Autosomal dominant osteopetrosis 1 (OPTA1). Also called: OSTEOPETROSIS, AUTOSOMAL DOMINANT, TYPE I. Identifiers: Orphanet 2783, MedGen C1843330, MONDO:0011877, OMIM 607634.
Bone mineral density quantitative trait locus 1 (BMND1). Identifiers: MedGen C1866079, OMIM 601884.
Polycystic liver disease 4 with or without kidney cysts. Identifiers: MedGen C4693479, MONDO:0044327, OMIM 617875.
Worth disease. Also called: ENDOSTEAL HYPEROSTOSIS, AUTOSOMAL DOMINANT; Autosomal dominant osteosclerosis, Worth type; OSTEOSCLEROSIS, AUTOSOMAL DOMINANT. Identifiers: Orphanet 2790, MedGen C0432273, MONDO:0007764, OMIM 144750.

Submissions (3):

Labcorp Genetics (formerly Invitae), Labcorp
Classification: Uncertain significance. Last evaluated: 2025-10-23. Review status: criteria provided, single submitter. Criteria: Invitae Variant Classification Sherloc (09022015). Collection method: clinical testing. Allele origin: germline.
Comment: This sequence change falls in intron 10 of the LRP5 gene. It does not directly change the encoded amino acid sequence of the LRP5 protein. It affects a nucleotide within the consensus splice site. This variant is not present in population databases (gnomAD no frequency). This variant has not been reported in the literature in individuals affected with LRP5-related conditions. ClinVar contains an entry for this variant (Variation ID: 1005795). Variants that disrupt the consensus splice site are a relatively common cause of aberrant splicing (PMID: 17576681, 9536098). Algorithms developed to predict the effect of sequence changes on RNA splicing suggest that this variant may disrupt the consensus splice site. In summary, the available evidence is currently insufficient to determine the role of this variant in disease. Therefore, it has been classified as a Variant of Uncertain Significance.

Fulgent Genetics
Classification: Uncertain significance for Exudative vitreoretinopathy 1; Worth disease; Osteoporosis; Osteoporosis with pseudoglioma; Exudative vitreoretinopathy 4; Bone mineral density quantitative trait locus 1; Autosomal dominant osteopetrosis 1; Polycystic liver disease 4 with or without kidney cysts. Last evaluated: 2021-11-11. Review status: criteria provided, single submitter. Criteria: ACMG Guidelines, 2015. Collection method: clinical testing. Allele origin: unknown.

Blueprint Genetics
Classification: Uncertain significance. Last evaluated: 2021-08-26. Review status: criteria provided, single submitter. Criteria: ACMG Guidelines, 2015. Collection method: clinical testing. Allele origin: germline.

Literature cited by the submitters: PubMed 17576681 (cited by Labcorp Genetics (formerly Invitae), Labcorp); PubMed 9536098 (cited by Labcorp Genetics (formerly Invitae), Labcorp).